The following is an entry in ClinVar:

ClinVar aggregate classification (germline): Uncertain significance (1 of 4 stars; one submission).

Allele frequency attached by ClinVar (database versions not stated): gnomAD 0.00001; gnomAD exomes 0.00001; TOPMed 0.00002.

Submission:

Labcorp Genetics (formerly Invitae), Labcorp
Classification: Uncertain significance. Last evaluated: 2024-10-23. Review status: criteria provided, single submitter. Criteria: Invitae Variant Classification Sherloc (09022015). Collection method: clinical testing. Allele origin: germline.
Comment: This sequence change replaces arginine, which is basic and polar, with tryptophan, which is neutral and slightly polar, at codon 202 of the ADIPOR1 protein (p.Arg202Trp). This variant is present in population databases (rs756988796, gnomAD 0.003%). This missense change has been observed in individual(s) with cone-rod Dystrophy (internal data). ClinVar contains an entry for this variant (Variation ID: 844429). An algorithm developed to predict the effect of missense changes on protein structure and function (PolyPhen-2) suggests that this variant is likely to be tolerated. Algorithms developed to predict the effect of sequence changes on RNA splicing suggest that this variant may disrupt the consensus splice site. In summary, the available evidence is currently insufficient to determine the role of this variant in disease. Therefore, it has been classified as a Variant of Uncertain Significance.

NM_015999.6(ADIPOR1):c.604C>T (p.Arg202Trp)

Gene: ADIPOR1 (adiponectin receptor 1; minus strand). Cytogenetic location: 1q32.1.
Variant type: single nucleotide variant.
Coding change: c.604C>T on transcript NM_015999.6 (MANE Select); coding-DNA position 604, C replaced by T.
Protein change: p.Arg202Trp; replaces arginine 202 with tryptophan.
Molecular consequence: missense variant.
Genome position (GRCh38, 1-based): chr1:202,944,996, G>A on the plus strand (C>T on the coding strand, the complement: ADIPOR1 is on the minus strand). VCF-style: chr1-202944996-G-A. GRCh37 (hg19) VCF-style: chr1-202914124-G-A.
Other names: c.604C>T, p.Arg202Trp (NM_001290553.2, NM_001290557.1, NM_001290629.1); short protein forms R202W.
Identifiers: ClinVar variation 844429 (VCV000844429.9), dbSNP rs756988796, ClinGen allele CA35606278.